The following is an entry in ClinVar:

ClinVar aggregate classification (germline): Likely pathogenic (1 of 4 stars; one submission).

Conditions:
Very long chain acyl-CoA dehydrogenase deficiency (ACADVLD). Also called: VLCAD Deficiency; Very Long-Chain Acyl-Coenzyme A Dehydrogenase Deficiency. Identifiers: Orphanet 26793, MedGen C3887523, MONDO:0008723, OMIM 201475.

Submission:

Labcorp Genetics (formerly Invitae), Labcorp
Classification: Likely pathogenic for Very long chain acyl-CoA dehydrogenase deficiency. Last evaluated: 2023-11-14. Review status: criteria provided, single submitter. Criteria: Invitae Variant Classification Sherloc (09022015). Collection method: clinical testing. Allele origin: germline.
Comment: This sequence change replaces arginine, which is basic and polar, with leucine, which is neutral and non-polar, at codon 613 of the ACADVL protein (p.Arg613Leu). This variant is not present in population databases (gnomAD no frequency). This variant has not been reported in the literature in individuals affected with ACADVL-related conditions. Advanced modeling of protein sequence and biophysical properties (such as structural, functional, and spatial information, amino acid conservation, physicochemical variation, residue mobility, and thermodynamic stability) performed at Invitae indicates that this missense variant is expected to disrupt ACADVL protein function with a positive predictive value of 95%. This variant disrupts the p.Arg613 amino acid residue in ACADVL. Other variant(s) that disrupt this residue have been determined to be pathogenic (PMID: 7479827, 8554073, 10077518, 17374501, 17999356, 19327992). This suggests that this residue is clinically significant, and that variants that disrupt this residue are likely to be disease-causing. In summary, the currently available evidence indicates that the variant is pathogenic, but additional data are needed to prove that conclusively. Therefore, this variant has been classified as Likely Pathogenic.

Literature cited by the submitters: PubMed 7479827; PubMed 8554073; PubMed 10077518; PubMed 17374501; PubMed 17999356; PubMed 19327992.

NM_000018.4(ACADVL):c.1838G>T (p.Arg613Leu)

Gene: ACADVL (acyl-CoA dehydrogenase very long chain; plus strand). Cytogenetic location: 17p13.1.
Variant type: single nucleotide variant.
Coding change: c.1838G>T on transcript NM_000018.4 (MANE Select); coding-DNA position 1838, G replaced by T.
Protein change: p.Arg613Leu; replaces arginine 613 with leucine.
Molecular consequence: missense variant.
Genome position (GRCh38, 1-based): chr17:7,224,967, G>T. VCF-style: chr17-7224967-G-T. GRCh37 (hg19) VCF-style: chr17-7128286-G-T.
Other names: c.1772G>T, p.Arg591Leu (NM_001033859.3); c.1907G>T, p.Arg636Leu (NM_001270447.2); c.1610G>T, p.Arg537Leu (NM_001270448.2); short protein forms R537L, R613L, R591L, R636L.
Identifiers: ClinVar variation 2791540 (VCV002791540.1), dbSNP rs534647044, ClinGen allele CA397726006.
Genomic context (GRCh38, chr17:7,224,967, plus strand): 5'-TCAGGTGAGGGCTGGAGGTGCAGGCCCAACCCCTCCTTCCCTCTCCCCAGGCTGCAGCTC[G>T]GATCCGAGAGGGCATGGCCGCCCTGCAGTCTGACCCCTGGCAGCAAGAGCTCTACCGCAA-3'
Protein context (NP_000009.1, residues 603-623): CDTWCIEAAA[Arg613Leu]IREGMAALQS